The following is an entry in ClinVar:

NM_001291303.3(FAT4):c.5134A>T (p.Ile1712Leu)

Gene: FAT4 (FAT atypical cadherin 4; plus strand). Cytogenetic location: 4q28.1.
Variant type: single nucleotide variant.
Coding change: c.5134A>T on transcript NM_001291303.3 (MANE Select); coding-DNA position 5134, A replaced by T.
Protein change: p.Ile1712Leu; replaces isoleucine 1712 with leucine.
Molecular consequence: missense variant.
Genome position (GRCh38, 1-based): chr4:125,321,545, A>T. VCF-style: chr4-125321545-A-T. GRCh37 (hg19) VCF-style: chr4-126242700-A-T.
Other names: c.5134A>T, p.Ile1712Leu (NM_001291285.3, NM_024582.6); short protein forms I1712L.
Identifiers: ClinVar variation 2323873 (VCV002323873.5), dbSNP rs1156267761, ClinGen allele CA358129903.

ClinVar aggregate classification (germline): Uncertain significance. Review status: criteria provided, multiple submitters, no conflicts (2 of 4 stars). 2 submissions from 2 submitters: Uncertain significance (2). Last evaluated 2025-10-01.

Conditions:
Inborn genetic diseases. Identifiers: MedGen C0950123, MeSH D030342.

gnomAD v4.1: 3 of 1,612,384 alleles (0.00019%); highest among the groups gnomAD compares: African/African-American, 0.0027%; no homozygotes.

Submissions (2):

Labcorp Genetics (formerly Invitae), Labcorp
Classification: Uncertain significance. Last evaluated: 2025-10-01. Review status: criteria provided, single submitter. Criteria: Invitae Variant Classification Sherloc (09022015). Collection method: clinical testing. Allele origin: germline.
Comment: This sequence change replaces isoleucine, which is neutral and non-polar, with leucine, which is neutral and non-polar, at codon 1712 of the FAT4 protein (p.Ile1712Leu). This variant is present in population databases (no rsID available, gnomAD 0.007%). This variant has not been reported in the literature in individuals affected with FAT4-related conditions. ClinVar contains an entry for this variant (Variation ID: 2323873). Invitae Evidence Modeling of protein sequence and biophysical properties (such as structural, functional, and spatial information, amino acid conservation, physicochemical variation, residue mobility, and thermodynamic stability) indicates that this missense variant is not expected to disrupt FAT4 protein function with a negative predictive value of 80%. In summary, the available evidence is currently insufficient to determine the role of this variant in disease. Therefore, it has been classified as a Variant of Uncertain Significance.

Ambry Genetics
Classification: Uncertain significance for Inborn genetic diseases. Last evaluated: 2022-11-08. Review status: criteria provided, single submitter. Criteria: Ambry Variant Classification Scheme 2023. Collection method: clinical testing. Allele origin: germline.